The following is an entry in ClinVar:

NM_001903.5(CTNNA1):c.2554C>T (p.Leu852Phe)

Gene: CTNNA1 (catenin alpha 1; plus strand). Cytogenetic location: 5q31.2.
Variant type: single nucleotide variant.
Coding change: c.2554C>T on transcript NM_001903.5 (MANE Select); coding-DNA position 2554, C replaced by T.
Protein change: p.Leu852Phe; replaces leucine 852 with phenylalanine.
Molecular consequence: missense variant. On other transcripts: 3 prime UTR variant (5).
Genome position (GRCh38, 1-based): chr5:138,933,922, C>T. VCF-style: chr5-138933922-C-T. GRCh37 (hg19) VCF-style: chr5-138269611-C-T.
Other names: c.*99C>T (NM_001290307.3, NM_001324002.1, NM_001324003.1 and 2 more transcripts); c.2245C>T, p.Leu749Phe (NM_001290309.3); c.2185C>T, p.Leu729Phe (NM_001290310.3); c.1444C>T, p.Leu482Phe (NM_001290312.1, NM_001323987.1, NM_001323988.1 and 12 more transcripts); c.2554C>T, p.Leu852Phe (NM_001323982.2, NM_001323983.1, NM_001323984.2); c.2527C>T, p.Leu843Phe (NM_001323985.2); c.2461C>T, p.Leu821Phe (NM_001323986.2); c.1309C>T, p.Leu437Phe (NM_001324001.1); and 3 more; short protein forms L369F, L437F, L821F, L852F, L401F, L749F, L729F, L451F.
Identifiers: ClinVar variation 664057 (VCV000664057.16), dbSNP rs1580945247, ClinGen allele CA361135462.

ClinVar aggregate classification (germline): Conflicting classifications of pathogenicity. Review status: criteria provided, conflicting classifications (1 of 4 stars). 4 submissions from 4 submitters: Uncertain significance (3); Likely benign (1). Last evaluated 2026-01-05.

Conditions:
Patterned macular dystrophy 2. Identifiers: Orphanet 99001, MedGen C1837029, MONDO:0012162, OMIM 608970.
Hereditary cancer-predisposing syndrome. Also called: Neoplastic Syndromes, Hereditary; Hereditary Cancer Syndrome; Tumor predisposition; Hereditary neoplastic syndrome. Identifiers: Orphanet 140162, MedGen C0027672, MeSH D009386, MONDO:0015356.

Allele frequency attached by ClinVar (database versions not stated): TOPMed below 0.00001; gnomAD exomes 0.00001.
gnomAD v4.1: 6 of 1,614,204 alleles (0.00037%); highest among the groups gnomAD compares: Non-Finnish European, 0.00051%; no homozygotes.

Submissions (4):

Labcorp Genetics (formerly Invitae), Labcorp
Classification: Uncertain significance. Last evaluated: 2026-01-05. Review status: criteria provided, single submitter. Criteria: Invitae Variant Classification Sherloc (09022015). Collection method: clinical testing. Allele origin: germline.
Comment: This sequence change replaces leucine, which is neutral and non-polar, with phenylalanine, which is neutral and non-polar, at codon 852 of the CTNNA1 protein (p.Leu852Phe). This variant is not present in population databases (gnomAD no frequency). This missense change has been observed in individual(s) with peripheral field loss, central vision loss, abnormal fundus and abnormal ERG (internal data). ClinVar contains an entry for this variant (Variation ID: 664057). An algorithm developed to predict the effect of missense changes on protein structure and function (PolyPhen-2) suggests that this variant is likely to be disruptive. In summary, the available evidence is currently insufficient to determine the role of this variant in disease. Therefore, it has been classified as a Variant of Uncertain Significance.

Ambry Genetics
Classification: Likely benign for Hereditary cancer-predisposing syndrome. Last evaluated: 2025-09-30. Review status: criteria provided, single submitter. Criteria: Ambry Variant Classification Scheme 2023. Collection method: clinical testing. Allele origin: germline.

Blueprint Genetics
Classification: Uncertain significance. Last evaluated: 2024-11-13. Review status: criteria provided, single submitter. Criteria: ACMG Guidelines, 2015. Collection method: clinical testing. Allele origin: germline.

Fulgent Genetics
Classification: Uncertain significance for Patterned macular dystrophy 2. Last evaluated: 2024-04-26. Review status: criteria provided, single submitter. Criteria: ACMG Guidelines, 2015. Collection method: clinical testing. Allele origin: germline.